The following is an entry in ClinVar:

ClinVar aggregate classification (germline): Uncertain significance. Review status: criteria provided, multiple submitters, no conflicts (2 of 4 stars). 2 submissions from 2 submitters: Uncertain significance (2). Last evaluated 2023-11-02.

Conditions:
Hereditary cancer-predisposing syndrome. Also called: Hereditary Cancer Syndrome; Hereditary neoplastic syndrome; Tumor predisposition; Neoplastic Syndromes, Hereditary. Identifiers: Orphanet 140162, MedGen C0027672, MeSH D009386, MONDO:0015356.

Submissions (2):

Ambry Genetics
Classification: Uncertain significance for Hereditary cancer-predisposing syndrome. Last evaluated: 2023-11-02. Review status: criteria provided, single submitter. Criteria: Ambry Variant Classification Scheme 2023. Collection method: clinical testing. Allele origin: germline.
Comment: The p.C803R variant (also known as c.2407T>C), located in coding exon 17 of the MSH3 gene, results from a T to C substitution at nucleotide position 2407. The cysteine at codon 803 is replaced by arginine, an amino acid with highly dissimilar properties. This amino acid position is conserved. In addition, this alteration is predicted to be deleterious by in silico analysis. Since supporting evidence is limited at this time, the clinical significance of this alteration remains unclear.

Labcorp Genetics (formerly Invitae), Labcorp
Classification: Uncertain significance. Last evaluated: 2023-10-10. Review status: criteria provided, single submitter. Criteria: Invitae Variant Classification Sherloc (09022015). Collection method: clinical testing. Allele origin: germline.
Comment: This sequence change replaces cysteine, which is neutral and slightly polar, with arginine, which is basic and polar, at codon 803 of the MSH3 protein (p.Cys803Arg). This variant is not present in population databases (gnomAD no frequency). This variant has not been reported in the literature in individuals affected with MSH3-related conditions. ClinVar contains an entry for this variant (Variation ID: 1790819). An algorithm developed to predict the effect of missense changes on protein structure and function (PolyPhen-2) suggests that this variant is likely to be disruptive. In summary, the available evidence is currently insufficient to determine the role of this variant in disease. Therefore, it has been classified as a Variant of Uncertain Significance.

NM_002439.5(MSH3):c.2407T>C (p.Cys803Arg)

Gene: MSH3 (mutS homolog 3; plus strand). Cytogenetic location: 5q14.1.
Variant type: single nucleotide variant.
Coding change: c.2407T>C on transcript NM_002439.5 (MANE Select); coding-DNA position 2407, T replaced by C.
Protein change: p.Cys803Arg; replaces cysteine 803 with arginine.
Molecular consequence: missense variant.
Genome position (GRCh38, 1-based): chr5:80,778,808, T>C. VCF-style: chr5-80778808-T-C. GRCh37 (hg19) VCF-style: chr5-80074627-T-C.
Other names: short protein forms C803R.
Identifiers: ClinVar variation 1790819 (VCV001790819.7), dbSNP rs2546779591, ClinGen allele CA360281877.
Genomic context (GRCh38, chr5:80,778,808, plus strand): 5'-CCTTTTATTGTAGAAAATTACAGACATCTGAATCAGCTCCGGGAGCAGCTAGTCCTTGAC[T>C]GCAGTGCTGAATGGCTTGATTTTCTAGAGTGAGTTTACAATGAAAAAATATAATCTGACT-3'
Protein context (NP_002430.3, residues 793-813): NQLREQLVLD[Cys803Arg]SAEWLDFLEK